The following is an entry in ClinVar:

NM_015214.3(DDHD2):c.995C>T (p.Thr332Ile)

Gene: DDHD2 (DDHD domain containing 2; plus strand). Cytogenetic location: 8p11.23.
Variant type: single nucleotide variant.
Coding change: c.995C>T on transcript NM_015214.3 (MANE Select); coding-DNA position 995, C replaced by T.
Protein change: p.Thr332Ile; replaces threonine 332 with isoleucine.
Molecular consequence: missense variant. On other transcripts: non-coding transcript variant (2).
Genome position (GRCh38, 1-based): chr8:38,245,888, C>T. VCF-style: chr8-38245888-C-T. GRCh37 (hg19) VCF-style: chr8-38103406-C-T.
Other names: c.995C>T (NM_015214.2); c.995C>T, p.Thr332Ile (NM_001164232.2, NM_001362911.2, NM_001362912.2 and 1 more transcripts); c.905C>T, p.Thr302Ile (NM_001362913.2); short protein forms T302I, T332I.
Identifiers: ClinVar variation 1022944 (VCV001022944.4), dbSNP rs749180013, ClinGen allele CA4716132.

ClinVar aggregate classification (germline): Uncertain significance. Review status: criteria provided, multiple submitters, no conflicts (2 of 4 stars). 3 submissions from 3 submitters: Uncertain significance (3). Last evaluated 2025-02-06.

Conditions:
Inborn genetic diseases. Identifiers: MedGen C0950123, MeSH D030342.
Hereditary spastic paraplegia 54. Also called: Spastic paraplegia 54, autosomal recessive. Identifiers: Orphanet 320380, MedGen C3539495, MONDO:0014018, OMIM 615033.

Allele frequency attached by ClinVar (database versions not stated): gnomAD 0.00001; gnomAD exomes 0.00001; ExAC 0.00002; TOPMed 0.00002.

Submissions (3):

Ambry Genetics
Classification: Uncertain significance for Inborn genetic diseases. Last evaluated: 2025-02-06. Review status: criteria provided, single submitter. Criteria: Ambry Variant Classification Scheme 2023. Collection method: clinical testing. Allele origin: germline.

Blueprint Genetics
Classification: Uncertain significance. Last evaluated: 2023-09-08. Review status: criteria provided, single submitter. Criteria: ACMG Guidelines, 2015. Collection method: clinical testing. Allele origin: germline.

Labcorp Genetics (formerly Invitae), Labcorp
Classification: Uncertain significance for Hereditary spastic paraplegia 54. Last evaluated: 2022-10-17. Review status: criteria provided, single submitter. Criteria: Invitae Variant Classification Sherloc (09022015). Collection method: clinical testing. Allele origin: germline.
Comment: This sequence change replaces threonine, which is neutral and polar, with isoleucine, which is neutral and non-polar, at codon 332 of the DDHD2 protein (p.Thr332Ile). This variant is present in population databases (rs749180013, gnomAD 0.007%). This variant has not been reported in the literature in individuals affected with DDHD2-related conditions. ClinVar contains an entry for this variant (Variation ID: 1022944). Advanced modeling of protein sequence and biophysical properties (such as structural, functional, and spatial information, amino acid conservation, physicochemical variation, residue mobility, and thermodynamic stability) performed at Invitae indicates that this missense variant is not expected to disrupt DDHD2 protein function. In summary, the available evidence is currently insufficient to determine the role of this variant in disease. Therefore, it has been classified as a Variant of Uncertain Significance.